The following is an entry in ClinVar:

ClinVar aggregate classification (germline): Pathogenic/Likely pathogenic. Review status: criteria provided, multiple submitters, no conflicts (2 of 4 stars). 2 submissions from 2 submitters: Pathogenic (1); Likely pathogenic (1). Last evaluated 2025-09-10.

Conditions:
Marfan syndrome (MFS). Also called: FBN1-Related Marfan Syndrome; MARFAN SYNDROME, TYPE I; Marfan syndrome type 1; Marfan's syndrome; Marfan syndrome, classic. Identifiers: Orphanet 284963, Orphanet 558, MedGen C0024796, MONDO:0007947, OMIM 154700.
Familial thoracic aortic aneurysm and aortic dissection (TAAD). Also called: Thoracic aortic aneurysms and dissections. Identifiers: Orphanet 91387, MedGen C4707243, MONDO:0019625.
Marfan Syndrome/Loeys-Dietz Syndrome/Familial Thoracic Aortic Aneurysms and Dissections. Identifiers: MedGen CN229799.

Submissions (2):

Labcorp Genetics (formerly Invitae), Labcorp
Classification: Pathogenic for Marfan syndrome; Familial thoracic aortic aneurysm and aortic dissection. Last evaluated: 2025-09-10. Review status: criteria provided, single submitter. Criteria: Invitae Variant Classification Sherloc (09022015). Collection method: clinical testing. Allele origin: germline.
Comment: This sequence change creates a premature translational stop signal (p.Pro396Serfs*56) in the FBN1 gene. It is expected to result in an absent or disrupted protein product. Loss-of-function variants in FBN1 are known to be pathogenic (PMID: 17657824, 19293843). This variant is not present in population databases (gnomAD no frequency). This variant has not been reported in the literature in individuals affected with FBN1-related conditions. ClinVar contains an entry for this variant (Variation ID: 992200). For these reasons, this variant has been classified as Pathogenic.

Women's Health and Genetics/Laboratory Corporation of America, LabCorp
Classification: Likely pathogenic for Marfan Syndrome/Loeys-Dietz Syndrome/Familial Thoracic Aortic Aneurysms and Dissections. Last evaluated: 2020-12-28. Review status: criteria provided, single submitter. Criteria: LabCorp Variant Classification Summary - May 2015. Collection method: clinical testing. Allele origin: germline.
Comment: Variant summary: FBN1 c.1185dupT (p.Pro396SerfsX56) results in a premature termination codon, predicted to cause a truncation of the encoded protein or absence of the protein due to nonsense mediated decay, which are commonly known mechanisms for disease. Truncations downstream of this position have been classified as pathogenic by our laboratory. The variant was absent in 250408 control chromosomes (gnomAD). To our knowledge, no occurrence of c.1185dupT in individuals affected with Marfan Syndrome and no experimental evidence demonstrating its impact on protein function have been reported. No clinical diagnostic laboratories have submitted clinical-significance assessments for this variant to ClinVar after 2014. Based on the evidence outlined above, the variant was classified as likely pathogenic.

Literature cited by the submitters: PubMed 17657824 (cited by Labcorp Genetics (formerly Invitae), Labcorp); PubMed 19293843 (cited by Labcorp Genetics (formerly Invitae), Labcorp).

NM_000138.5(FBN1):c.1185dup (p.Pro396fs)

Gene: FBN1 (fibrillin 1; minus strand). Cytogenetic location: 15q21.1.
Variant type: Duplication.
Coding change: c.1185dup on transcript NM_000138.5 (MANE Select); coding-DNA position 1185, one base duplicated (T; older notation c.1185dupT).
Protein change: p.Pro396fs; shifts the reading frame from proline 396.
Molecular consequence: frameshift variant.
Genome position (GRCh38, 1-based): chr15:48,516,325, A duplicated on the plus strand (T on the coding strand, the reverse complement: FBN1 is on the minus strand); the first of 2 consecutive A bases (chr15:48,516,325-48,516,326); duplicating either gives the same sequence. VCF-style (leftmost placement, unchanged base first): chr15-48516324-G-GA. GRCh37 (hg19) VCF-style: chr15-48808521-G-GA.
Other names: short protein forms P396fs.
Identifiers: ClinVar variation 992200 (VCV000992200.6), dbSNP rs2043801575, ClinGen allele CA1139663981.